The following is an entry in ClinVar:

NM_016492.5(RANGRF):c.97G>T (p.Asp33Tyr)

Genes: RANGRF (RAN guanine nucleotide release factor; plus strand), SLC25A35 (solute carrier family 25 member 35; minus strand), LOC130060241 (ATAC-STARR-seq lymphoblastoid active region 11693; plus strand). Cytogenetic location: 17p13.1.
Variant type: single nucleotide variant.
Coding change: c.97G>T on transcript NM_016492.5 (MANE Select); coding-DNA position 97, G replaced by T.
Protein change: p.Asp33Tyr; replaces aspartic acid 33 with tyrosine.
Molecular consequence: missense variant. On other transcripts: 3 prime UTR variant (2), non-coding transcript variant (2), intron variant (1).
Genome position (GRCh38, 1-based): chr17:8,288,975, G>T. VCF-style: chr17-8288975-G-T. GRCh37 (hg19) VCF-style: chr17-8192293-G-T.
Other names: c.97G>T, p.Asp33Tyr (NM_001177801.2, NM_001177802.2, NM_001330127.2); c.*508C>A (NM_001320872.2); c.*641C>A (NM_201520.3); c.*43-543C>A (NM_001320871.2); short protein forms D33Y.
Identifiers: ClinVar variation 1369857 (VCV001369857.7), dbSNP rs2151608419, ClinGen allele CA397994023.
Genomic context (GRCh38, chr17:8,288,975, plus strand): 5'-AGAGACCGGGGTCAACCAGGGTCTGCCTCGCCTCACTCCAGCGACCTCCGACCGGTCCCG[G>T]ACAATCAAGAAGTTTTCTGCCATCCCGTGACGGACCAGAGCCTGATAGTGGAACTTCTCG-3'
Protein context (NP_057576.2, residues 23-43): IDVSDLRPVP[Asp33Tyr]NQEVFCHPVT

ClinVar aggregate classification (germline): Uncertain significance (1 of 4 stars; one submission).

Conditions:
Cardiac arrhythmia. Also called: Cardiac rhythm disease; Arrhythmia. Identifiers: MedGen C0003811, MONDO:0007263, HP:0011675.

gnomAD v4.1: 1 of 1,614,154 alleles (0.000062%); highest among the groups gnomAD compares: Non-Finnish European, 0.000085%; no homozygotes.

Submission:

Labcorp Genetics (formerly Invitae), Labcorp
Classification: Uncertain significance for Cardiac arrhythmia. Last evaluated: 2022-04-15. Review status: criteria provided, single submitter. Criteria: Invitae Variant Classification Sherloc (09022015). Collection method: clinical testing. Allele origin: germline.
Comment: This variant is not present in population databases (gnomAD no frequency). This sequence change replaces aspartic acid, which is acidic and polar, with tyrosine, which is neutral and polar, at codon 33 of the RANGRF protein (p.Asp33Tyr). This variant has not been reported in the literature in individuals affected with RANGRF-related conditions. Algorithms developed to predict the effect of missense changes on protein structure and function (SIFT, PolyPhen-2, Align-GVGD) all suggest that this variant is likely to be disruptive. In summary, the available evidence is currently insufficient to determine the role of this variant in disease. Therefore, it has been classified as a Variant of Uncertain Significance.